The following is an entry in ClinVar:

NM_000090.4(COL3A1):c.2490G>A (p.Pro830=)

Gene: COL3A1 (collagen type III alpha 1 chain; plus strand). Cytogenetic location: 2q32.2.
Variant type: single nucleotide variant.
Coding change: c.2490G>A on transcript NM_000090.4 (MANE Select); coding-DNA position 2490, G replaced by A.
Protein change: p.Pro830=; no amino-acid change (proline 830 retained).
Molecular consequence: synonymous variant.
Genome position (GRCh38, 1-based): chr2:189,002,999, G>A. VCF-style: chr2-189002999-G-A. GRCh37 (hg19) VCF-style: chr2-189867725-G-A.
Other names: p.Pro830=.
Identifiers: ClinVar variation 234653 (VCV000234653.27), dbSNP rs777361888, ClinGen allele CA075363.

ClinVar aggregate classification (germline): Conflicting classifications of pathogenicity. Review status: criteria provided, conflicting classifications (1 of 4 stars). 10 submissions from 10 submitters: Uncertain significance (2); Benign (1); Likely benign (5). 2 of the submissions do not count toward it. Last evaluated 2026-01-20.

Conditions:
Familial thoracic aortic aneurysm and aortic dissection (TAAD). Also called: Thoracic aortic aneurysms and dissections. Identifiers: Orphanet 91387, MedGen C4707243, MONDO:0019625.
Ehlers-Danlos syndrome, type 4 (EDSVASC). Also called: Ehlers-Danlos syndrome vascular type; Ehlers Danlos syndrome, ecchymotic type; Ehlers Danlos syndrome, arterial type; Ehlers Danlos syndrome, Sack-Barabas type; Ehlers-Danlos Syndrome Type IV. Identifiers: Orphanet 286, MedGen C0268338, MONDO:0017314, OMIM 130050.

Allele frequency attached by ClinVar (database versions not stated): ExAC 0.00005; TOPMed 0.00006.
gnomAD v4.1: 83 of 1,551,640 alleles (0.0053%); highest among the groups gnomAD compares: Non-Finnish European, 0.0065%; no homozygotes.

Submissions (10):

Women's Health and Genetics/Laboratory Corporation of America, LabCorp
Classification: Likely benign. Last evaluated: 2026-01-20. Review status: criteria provided, single submitter. Criteria: LabCorp Variant Classification Summary - May 2015. Collection method: clinical testing. Allele origin: germline.

Labcorp Genetics (formerly Invitae), Labcorp
Classification: Likely benign for Ehlers-Danlos syndrome, type 4. Last evaluated: 2026-01-12. Review status: criteria provided, single submitter. Criteria: Invitae Variant Classification Sherloc (09022015). Collection method: clinical testing. Allele origin: germline.

Mayo Clinic Laboratories, Mayo Clinic
Classification: Likely benign. Last evaluated: 2025-10-26. Review status: criteria provided, single submitter. Criteria: ACMG Guidelines, 2015. Collection method: clinical testing. Allele origin: germline. Observed: 3 variant alleles.
Comment: BS1, BP4, BP7

Blueprint Genetics
Classification: Likely benign. Last evaluated: 2024-11-05. Review status: criteria provided, single submitter. Criteria: ACMG Guidelines, 2015. Collection method: clinical testing. Allele origin: germline.

Ambry Genetics
Classification: Benign for Familial thoracic aortic aneurysm and aortic dissection. Last evaluated: 2022-01-05. Review status: criteria provided, single submitter. Criteria: Ambry Variant Classification Scheme 2023. Collection method: clinical testing. Allele origin: germline.

GeneDx
Classification: Uncertain significance. Last evaluated: 2020-09-25. Review status: criteria provided, single submitter. Criteria: GeneDx Variant Classification Process June 2021. Collection method: clinical testing. Allele origin: germline. Affected: yes.
Comment: This synonymous variant has not been previously published as pathogenic or benign to our knowledge; Not observed at a significant frequency in large population cohorts (Lek et al., 2016); In-silico analysis, which includes splice predictors and evolutionary conservation, is inconclusive as to whether the variant alters gene splicing. In the absence of RNA/functional studies, the actual effect of this sequence change is unknown.; Reported in ClinVar (ClinVar Variant ID# 381742; Landrum et al., 2016)

Color Diagnostics, LLC DBA Color Health
Classification: Likely benign for Familial thoracic aortic aneurysm and aortic dissection. Last evaluated: 2019-04-26. Review status: criteria provided, single submitter. Criteria: ACMG Guidelines, 2015. Collection method: clinical testing. Allele origin: germline.

Illumina Laboratory Services, Illumina
Classification: Uncertain significance for Ehlers-Danlos syndrome, type 4. Last evaluated: 2018-01-12. Review status: criteria provided, single submitter. Criteria: ICSL Variant Classification Criteria 13 December 2019. Collection method: clinical testing. Allele origin: germline.

Clinical Genetics DNA and cytogenetics Diagnostics Lab, Erasmus MC, Erasmus Medical Center
Classification: Likely benign. Review status: no assertion criteria provided. Collection method: clinical testing. Allele origin: germline. Affected: yes. Study: VKGL Data-share Consensus. Not counted in ClinVar's aggregate classification.

Genome Diagnostics Laboratory, Amsterdam University Medical Center
Classification: Likely benign. Review status: no assertion criteria provided. Collection method: clinical testing. Allele origin: germline. Affected: yes. Study: VKGL Data-share Consensus. Not counted in ClinVar's aggregate classification.